The following is an entry in ClinVar:

NM_006269.2(RP1):c.2332A>T (p.Lys778Ter)

Gene: RP1 (RP1 axonemal microtubule associated; plus strand). Cytogenetic location: 8q12.1.
Variant type: single nucleotide variant.
Coding change: c.2332A>T on transcript NM_006269.2 (MANE Select); coding-DNA position 2332, A replaced by T.
Protein change: p.Lys778Ter; replaces lysine 778 with a stop codon.
Molecular consequence: nonsense. On other transcripts: intron variant (1).
Genome position (GRCh38, 1-based): chr8:54,626,214, A>T. VCF-style: chr8-54626214-A-T. GRCh37 (hg19) VCF-style: chr8-55538774-A-T.
Other names: c.787+3926A>T (NM_001375654.1); short protein forms K778*.
Identifiers: ClinVar variation 845845 (VCV000845845.51), dbSNP rs1806041389, ClinGen allele CA370993440.

ClinVar aggregate classification (germline): Pathogenic/Likely pathogenic. Review status: criteria provided, multiple submitters, no conflicts (2 of 4 stars). 5 submissions from 5 submitters: Pathogenic (4); Likely pathogenic (1). Last evaluated 2023-01-01.

Conditions:
RP1-related disorder. Also called: RP1-related condition.
Retinal dystrophy. Also called: Inherited retinal dystrophy. Identifiers: Orphanet 71862, MedGen C0854723, MeSH D058499, MONDO:0019118, HP:0000556.

Submissions (5):

Institute of Human Genetics, Univ. Regensburg, Univ. Regensburg
Classification: Likely pathogenic for Retinal dystrophy. Last evaluated: 2023-01-01. Review status: criteria provided, single submitter. Criteria: ACMG Guidelines, 2015. Collection method: clinical testing. Allele origin: germline. Affected: yes.

CeGaT Center for Human Genetics Tuebingen
Classification: Pathogenic. Last evaluated: 2022-05-01. Review status: criteria provided, single submitter. Criteria: CeGaT Center For Human Genetics Tuebingen Variant Classification Criteria Version 2. Collection method: clinical testing. Allele origin: germline. Affected: yes. Observed: 3 variant alleles.
Comment: RP1: PVS1:Strong, PM2, PS4:Moderate, PP1, PP4

Labcorp Genetics (formerly Invitae), Labcorp
Classification: Pathogenic. Last evaluated: 2022-02-23. Review status: criteria provided, single submitter. Criteria: Invitae Variant Classification Sherloc (09022015). Collection method: clinical testing. Allele origin: germline.
Comment: For these reasons, this variant has been classified as Pathogenic. This variant disrupts the C-terminus of the RP1 protein. Many variants that disrupt this region have been reported in individuals with either autosomal dominant or autosomal recessive retinitis pigmentosa (PMID: 11527933, 19933189, 29425069, 30027431). Therefore, variants that disrupt this region are expected to be disease-causing. ClinVar contains an entry for this variant (Variation ID: 845845). This premature translational stop signal has been observed in individual(s) with autosomal dominant retinitis pigmentosa (PMID: 11864893). It has also been observed to segregate with disease in related individuals. This variant is not present in population databases (gnomAD no frequency). This sequence change creates a premature translational stop signal (p.Lys778*) in the RP1 gene. While this is not anticipated to result in nonsense mediated decay, it is expected to disrupt the last 1379 amino acid(s) of the RP1 protein.

Blueprint Genetics
Classification: Pathogenic for RP1-related disorders. Last evaluated: 2020-10-28. Review status: criteria provided, single submitter. Criteria: ACMG Guidelines, 2015. Collection method: clinical testing. Allele origin: germline. Affected: yes. Observed: 1 variant allele.

Institute of Medical Genetics and Applied Genomics, University Hospital Tübingen
Classification: Pathogenic. Last evaluated: 2020-10-23. Review status: criteria provided, single submitter. Criteria: ACMG Guidelines, 2015. Collection method: clinical testing. Allele origin: germline. Inheritance: Autosomal unknown. Affected: yes.

Literature cited by the submitters: PubMed 11864893 (cited by Institute of Human Genetics, Univ. Regensburg, Univ. Regensburg and Labcorp Genetics (formerly Invitae), Labcorp); PubMed 3253185 (cited by Institute of Human Genetics, Univ. Regensburg, Univ. Regensburg); PubMed 11527933 (cited by Labcorp Genetics (formerly Invitae), Labcorp); PubMed 19933189 (cited by Labcorp Genetics (formerly Invitae), Labcorp); PubMed 29425069 (cited by Labcorp Genetics (formerly Invitae), Labcorp); PubMed 30027431 (cited by Labcorp Genetics (formerly Invitae), Labcorp).